The following is an entry in ClinVar:

NM_173076.3(ABCA12):c.5363_5372delinsTAAA (p.Glu1788_Ala1791delinsValAsn)

Gene: ABCA12 (ATP binding cassette subfamily A member 12; minus strand). Cytogenetic location: 2q35.
Variant type: Indel.
Coding change: c.5363_5372delinsTAAA on transcript NM_173076.3 (MANE Select); coding-DNA positions 5363 to 5372, AACAGACAGC replaced by TAAA.
Protein change: p.Glu1788_Ala1791delinsValAsn.
Molecular consequence: inframe indel. On other transcripts: non-coding transcript variant (1).
Genome position (GRCh38, 1-based): chr2:214,975,794-214,975,803, GCTGTCTGTT replaced by TTTA on the plus strand (AACAGACAGC replaced by TAAA on the coding strand, the reverse complement: ABCA12 is on the minus strand). VCF-style: chr2-214975794-GCTGTCTGTT-TTTA. GRCh37 (hg19) VCF-style: chr2-215840518-GCTGTCTGTT-TTTA.
Other names: c.4409_4418delinsTAAA, p.Glu1470_Ala1473delinsValAsn (NM_015657.4).
Identifiers: ClinVar variation 1705093 (VCV001705093.1), dbSNP rs2469215278, ClinGen allele CA2580065612.

ClinVar aggregate classification (germline): Uncertain significance (1 of 4 stars; one submission).

Submission:

Women's Health and Genetics/Laboratory Corporation of America, LabCorp
Classification: Uncertain significance. Last evaluated: 2022-08-12. Review status: criteria provided, single submitter. Criteria: LabCorp Variant Classification Summary - May 2015. Collection method: clinical testing. Allele origin: germline.
Comment: Variant summary: ABCA12 c.5363_5372delinsTAAA (p.Glu1788_Ala1791delinsValAsn) results in an in-frame deletion-insertion that is predicted to delete four amino acids from the protein and also insert two new amino acids. The variant was absent in 251076 control chromosomes. The available data on variant occurrences in the general population are insufficient to allow any conclusion about variant significance. To our knowledge, no occurrence of c.5363_5372delinsTAAA in individuals affected with Lamellar Ichthyosis and no experimental evidence demonstrating its impact on protein function have been reported. No clinical diagnostic laboratories have submitted clinical-significance assessments for this variant to ClinVar after 2014. Based on the evidence outlined above, the variant was classified as uncertain significance.